The following is an entry in ClinVar:

ClinVar aggregate classification (germline): Uncertain significance (1 of 4 stars; one submission).

Conditions:
Cornelia de Lange syndrome 1 (CDLS1). Also called: TYPUS DEGENERATIVUS AMSTELODAMENSIS; Brachmann de Lange syndrome; NIPBL-Related Cornelia de Lange Syndrome. Identifiers: Orphanet 199, MedGen C4551851, MONDO:0007387, OMIM 122470.

gnomAD v4.1: 12 of 1,614,120 alleles (0.00074%); highest among the groups gnomAD compares: Non-Finnish European, 0.001%; no homozygotes.

Submission:

Labcorp Genetics (formerly Invitae), Labcorp
Classification: Uncertain significance for Cornelia de Lange syndrome 1. Last evaluated: 2025-10-10. Review status: criteria provided, single submitter. Criteria: Invitae Variant Classification Sherloc (09022015). Collection method: clinical testing. Allele origin: germline.
Comment: This sequence change replaces valine, which is neutral and non-polar, with methionine, which is neutral and non-polar, at codon 2539 of the NIPBL protein (p.Val2539Met). This variant is not present in population databases (gnomAD no frequency). This variant has not been reported in the literature in individuals affected with NIPBL-related conditions. Invitae Evidence Modeling of protein sequence and biophysical properties (such as structural, functional, and spatial information, amino acid conservation, physicochemical variation, residue mobility, and thermodynamic stability) has been performed for this missense variant. However, the output from this modeling did not meet the statistical confidence thresholds required to predict the impact of this variant on NIPBL protein function. In summary, the available evidence is currently insufficient to determine the role of this variant in disease. Therefore, it has been classified as a Variant of Uncertain Significance.

NM_133433.4(NIPBL):c.7615G>A (p.Val2539Met)

Gene: NIPBL (NIPBL cohesin loading factor; plus strand). Cytogenetic location: 5p13.2.
Variant type: single nucleotide variant.
Coding change: c.7615G>A on transcript NM_133433.4 (MANE Select); coding-DNA position 7615, G replaced by A.
Protein change: p.Val2539Met; replaces valine 2539 with methionine.
Molecular consequence: missense variant.
Genome position (GRCh38, 1-based): chr5:37,059,095, G>A. VCF-style: chr5-37059095-G-A. GRCh37 (hg19) VCF-style: chr5-37059197-G-A.
Other names: c.7615G>A, p.Val2539Met (NM_001438586.1, NM_015384.5); short protein forms V2539M.
Identifiers: ClinVar variation 4766773 (VCV004766773.1).